The following is an entry in ClinVar:

ClinVar aggregate classification (germline): Uncertain significance. Review status: criteria provided, multiple submitters, no conflicts (2 of 4 stars). 3 submissions from 3 submitters: Uncertain significance (3). Last evaluated 2026-01-12.

Conditions:
Neurodevelopmental disorder with or without hyperkinetic movements and seizures, autosomal dominant. Also called: Intellectual disability, autosomal dominant 8. Identifiers: MedGen C3280282, MONDO:0013655, OMIM 614254.
Inborn genetic diseases. Identifiers: MedGen C0950123, MeSH D030342.

gnomAD v4.1: 3 of 1,612,908 alleles (0.00019%); highest among the groups gnomAD compares: Non-Finnish European, 0.00017%; no homozygotes.

Submissions (3):

Labcorp Genetics (formerly Invitae), Labcorp
Classification: Uncertain significance for Neurodevelopmental disorder with or without hyperkinetic movements and seizures, autosomal dominant. Last evaluated: 2026-01-12. Review status: criteria provided, single submitter. Criteria: Invitae Variant Classification Sherloc (09022015). Collection method: clinical testing. Allele origin: germline.
Comment: This sequence change replaces arginine, which is basic and polar, with serine, which is neutral and polar, at codon 156 of the GRIN1 protein (p.Arg156Ser). This variant is not present in population databases (gnomAD no frequency). This variant has not been reported in the literature in individuals affected with GRIN1-related conditions. ClinVar contains an entry for this variant (Variation ID: 1003966). Invitae Evidence Modeling of protein sequence and biophysical properties (such as structural, functional, and spatial information, amino acid conservation, physicochemical variation, residue mobility, and thermodynamic stability) indicates that this missense variant is not expected to disrupt GRIN1 protein function with a negative predictive value of 95%. In summary, the available evidence is currently insufficient to determine the role of this variant in disease. Therefore, it has been classified as a Variant of Uncertain Significance.

Ambry Genetics
Classification: Uncertain significance for Inborn genetic diseases. Last evaluated: 2025-01-29. Review status: criteria provided, single submitter. Criteria: Ambry Variant Classification Scheme 2023. Collection method: clinical testing. Allele origin: germline.

Blueprint Genetics
Classification: Uncertain significance. Last evaluated: 2022-01-13. Review status: criteria provided, single submitter. Criteria: ACMG Guidelines, 2015. Collection method: clinical testing. Allele origin: germline.

NM_007327.4(GRIN1):c.466C>A (p.Arg156Ser)

Gene: GRIN1 (glutamate ionotropic receptor NMDA type subunit 1; plus strand). Cytogenetic location: 9q34.3.
Variant type: single nucleotide variant.
Coding change: c.466C>A on transcript NM_007327.4 (MANE Select); coding-DNA position 466, C replaced by A.
Protein change: p.Arg156Ser; replaces arginine 156 with serine.
Molecular consequence: missense variant.
Genome position (GRCh38, 1-based): chr9:137,145,798, C>A. VCF-style: chr9-137145798-C-A. GRCh37 (hg19) VCF-style: chr9-140040250-C-A.
Other names: c.466C>A, p.Arg156Ser (NM_021569.4, NM_000832.7, NM_001185090.2 and 1 more transcripts); c.466C>A (NM_007327.3); short protein forms R156S.
Identifiers: ClinVar variation 1003966 (VCV001003966.9), dbSNP rs199593246, ClinGen allele CA201731503.